The following is an entry in ClinVar:

NM_004646.4(NPHS1):c.1171-1G>C

Gene: NPHS1 (NPHS1 adhesion molecule, nephrin; minus strand). Cytogenetic location: 19q13.12.
Variant type: single nucleotide variant.
Coding change: c.1171-1G>C on transcript NM_004646.4 (MANE Select); the canonical splice acceptor site of the intron before coding-DNA position 1171, G replaced by C.
Molecular consequence: splice acceptor variant.
Genome position (GRCh38, 1-based): chr19:35,848,398, C>G on the plus strand (G>C on the coding strand, the complement: NPHS1 is on the minus strand). VCF-style: chr19-35848398-C-G. GRCh37 (hg19) VCF-style: chr19-36339300-C-G.
Identifiers: ClinVar variation 4081754 (VCV004081754.1).

ClinVar aggregate classification (germline): Likely pathogenic (1 of 4 stars; one submission).

Conditions:
Finnish congenital nephrotic syndrome (NPHS1). Also called: NEPHROTIC SYNDROME, TYPE 1. Identifiers: Orphanet 839, MedGen C0403399, MONDO:0009732, OMIM 256300.

Submission:

Myriad Genetics, Inc.
Classification: Likely pathogenic for Finnish congenital nephrotic syndrome. Last evaluated: 2025-06-04. Review status: criteria provided, single submitter. Criteria: Myriad Autosomal Dominant, Autosomal Recessive and X-Linked Classification Criteria (2023). Collection method: clinical testing. Allele origin: unknown.
Comment: NM_004646.3(NPHS1):c.1171-1G>C is a variant in a canonical splice site classified as likely pathogenic in the context of nephrotic syndrome, NPHS1-related. c.1171-1G>C has not been observed in cases with relevant disease. Relevant functional assessments of this variant are not available in the literature. c.1171-1G>C has not been observed in referenced population frequency databases. In summary, NM_004646.3(NPHS1):c.1171-1G>C is a variant in a canonical splice site in a gene where loss of function is a known mechanism of disease and is predicted to disrupt protein function. Please note: this variant was assessed in the context of healthy population screening.